The following is an entry in ClinVar:

ClinVar aggregate classification (germline): Benign (1 of 4 stars; one submission).

Allele frequency attached by ClinVar (database versions not stated): 1000 Genomes Project 30x 0.34057; 1000 Genomes Project 0.34864; TOPMed 0.36033; gnomAD 0.36818 and 0.37073.
gnomAD v4.1: 56,637 of 152,040 alleles (37%); highest among the groups gnomAD compares: Middle Eastern, 47%; 11,704 homozygotes.

Submission:

GeneDx
Classification: Benign. Last evaluated: 2018-06-14. Review status: criteria provided, single submitter. Criteria: GeneDx Variant Classification (06012015). Collection method: clinical testing. Allele origin: germline. Affected: yes.
Comment: This variant is considered likely benign or benign based on one or more of the following criteria: it is a conservative change, it occurs at a poorly conserved position in the protein, it is predicted to be benign by multiple in silico algorithms, and/or has population frequency not consistent with disease.

NM_012470.4(TNPO3):c.552+193A>T

Gene: TNPO3 (transportin 3; minus strand). Cytogenetic location: 7q32.1.
Variant type: single nucleotide variant.
Coding change: c.552+193A>T on transcript NM_012470.4 (MANE Select); 193 bases into the intron after coding-DNA position 552, A replaced by T.
Molecular consequence: intron variant.
Genome position (GRCh38, 1-based): chr7:129,014,786, T>A on the plus strand (A>T on the coding strand, the complement: TNPO3 is on the minus strand). VCF-style: chr7-129014786-T-A. GRCh37 (hg19) VCF-style: chr7-128654840-T-A.
Other names: c.552+193A>T (NM_001382221.1, NM_001382222.1, NM_001382219.1 and 5 more transcripts); c.633+193A>T (NM_001382217.1).
Identifiers: ClinVar variation 670776 (VCV000670776.1), dbSNP rs2305325, ClinGen allele CA12547676.